The following is an entry in ClinVar:

ClinVar aggregate classification (germline): Likely benign. Review status: criteria provided, multiple submitters, no conflicts (2 of 4 stars). 2 submissions from 2 submitters: Likely benign (2). Last evaluated 2023-04-01.

Allele frequency attached by ClinVar (database versions not stated): gnomAD exomes 0.00001; gnomAD 0.00002 and 0.00003; TOPMed 0.00003; 1000 Genomes Project 0.00020; 1000 Genomes Project 30x 0.00031.
gnomAD v4.1: 77 of 1,613,914 alleles (0.0048%); highest among the groups gnomAD compares: Non-Finnish European, 0.0064%; no homozygotes.

Submissions (2):

CeGaT Center for Human Genetics Tuebingen
Classification: Likely benign. Last evaluated: 2023-04-01. Review status: criteria provided, single submitter. Criteria: CeGaT Center For Human Genetics Tuebingen Variant Classification Criteria Version 2. Collection method: clinical testing. Allele origin: germline. Affected: yes. Observed: 1 variant allele.
Comment: ZFHX4: BP4

Labcorp Genetics (formerly Invitae), Labcorp
Classification: Likely benign. Last evaluated: 2019-12-31. Review status: criteria provided, single submitter. Criteria: Invitae Variant Classification Sherloc (09022015). Collection method: clinical testing. Allele origin: germline.

NM_024721.5(ZFHX4):c.10536T>C (p.Asn3512=)

Gene: ZFHX4 (zinc finger homeobox 4; plus strand). Cytogenetic location: 8q21.13.
Variant type: single nucleotide variant.
Coding change: c.10536T>C on transcript NM_024721.5 (MANE Select); coding-DNA position 10536, T replaced by C.
Protein change: p.Asn3512=; no amino-acid change (asparagine 3512 retained).
Molecular consequence: synonymous variant.
Genome position (GRCh38, 1-based): chr8:76,864,250, T>C. VCF-style: chr8-76864250-T-C. GRCh37 (hg19) VCF-style: chr8-77776486-T-C.
Identifiers: ClinVar variation 799764 (VCV000799764.28), dbSNP rs144584925, ClinGen allele CA179375851.